The following is an entry in ClinVar:

NM_001009611.4(PRAMEF4):c.456C>T (p.Phe152=)

Gene: PRAMEF4 (PRAME family member 4; minus strand). Cytogenetic location: 1p36.21.
Variant type: single nucleotide variant.
Coding change: c.456C>T on transcript NM_001009611.4 (MANE Select); coding-DNA position 456, C replaced by T.
Protein change: p.Phe152=; no amino-acid change (phenylalanine 152 retained).
Molecular consequence: synonymous variant.
Genome position (GRCh38, 1-based): chr1:12,882,273, G>A on the plus strand (C>T on the coding strand, the complement: PRAMEF4 is on the minus strand). VCF-style: chr1-12882273-G-A. GRCh37 (hg19) VCF-style: chr1-12942094-G-A.
Identifiers: ClinVar variation 2638276 (VCV002638276.24), dbSNP rs148045269, ClinGen allele CA18149595.

ClinVar aggregate classification (germline): Likely benign (1 of 4 stars; one submission).

Allele frequency attached by ClinVar (database versions not stated): gnomAD exomes 0.00029; gnomAD 0.00046; ExAC 0.00059; ESP Exome Variant Server 0.00074; 1000 Genomes Project 0.00100.
gnomAD v4.1: 490 of 1,539,562 alleles (0.032%); highest among the groups gnomAD compares: African/African-American, 0.11%; 18 homozygotes.

Submission:

CeGaT Center for Human Genetics Tuebingen
Classification: Likely benign. Last evaluated: 2022-09-01. Review status: criteria provided, single submitter. Criteria: CeGaT Center For Human Genetics Tuebingen Variant Classification Criteria Version 2. Collection method: clinical testing. Allele origin: germline. Affected: yes. Observed: 1 variant allele.
Comment: PRAMEF4: BP4, BP7